The following is an entry in ClinVar:

NM_005251.3(FOXC2):c.312C>T (p.Asp104=)

Genes: FOXC2 (forkhead box C2; plus strand), FOXC2-AS1 (FOXC2 antisense RNA 1; minus strand). Cytogenetic location: 16q24.1.
Variant type: single nucleotide variant.
Coding change: c.312C>T on transcript NM_005251.3 (MANE Select); coding-DNA position 312, C replaced by T.
Protein change: p.Asp104=; no amino-acid change (aspartic acid 104 retained).
Molecular consequence: synonymous variant. On other transcripts: non-coding transcript variant (1).
Genome position (GRCh38, 1-based): chr16:86,567,647, C>T. VCF-style: chr16-86567647-C-T. GRCh37 (hg19) VCF-style: chr16-86601253-C-T.
Identifiers: ClinVar variation 3056999 (VCV003056999.2), dbSNP rs1328794386, ClinGen allele CA497014745.

ClinVar aggregate classification (germline): Likely benign (0 of 4 stars; one submission).

Conditions:
FOXC2-related disorder. Also called: FOXC2-related condition.

Allele frequency attached by ClinVar (database versions not stated): gnomAD exomes below 0.00001; TOPMed 0.00001.

Submission:

PreventionGenetics, part of Exact Sciences
Classification: Likely benign for FOXC2-related condition. Last evaluated: 2019-04-30. Review status: no assertion criteria provided. Collection method: clinical testing. Allele origin: germline.
Comment: This variant is classified as likely benign based on ACMG/AMP sequence variant interpretation guidelines (Richards et al. 2015 PMID: 25741868, with internal and published modifications).